The following is an entry in ClinVar:

ClinVar aggregate classification (germline): Uncertain significance (1 of 4 stars; one submission).

Conditions:
Charcot-Marie-Tooth disease axonal type 2O. Also called: Charcot-Marie-Tooth Neuropathy Type 2O; Charcot-Marie-Tooth disease, axonal, type 20; CHARCOT-MARIE-TOOTH NEUROPATHY, AXONAL, TYPE 2O; CHARCOT-MARIE-TOOTH DISEASE, AXONAL, AUTOSOMAL DOMINANT, TYPE 2O. Identifiers: Orphanet 284232, MedGen C3280220, MONDO:0013644, OMIM 614228.

Submission:

Labcorp Genetics (formerly Invitae), Labcorp
Classification: Uncertain significance for Charcot-Marie-Tooth disease axonal type 2O. Last evaluated: 2022-08-09. Review status: criteria provided, single submitter. Criteria: Invitae Variant Classification Sherloc (09022015). Collection method: clinical testing. Allele origin: germline.
Comment: In summary, the available evidence is currently insufficient to determine the role of this variant in disease. Therefore, it has been classified as a Variant of Uncertain Significance. Advanced modeling of protein sequence and biophysical properties (such as structural, functional, and spatial information, amino acid conservation, physicochemical variation, residue mobility, and thermodynamic stability) performed at Invitae indicates that this missense variant is not expected to disrupt DYNC1H1 protein function. ClinVar contains an entry for this variant (Variation ID: 1357931). This variant has not been reported in the literature in individuals affected with DYNC1H1-related conditions. This variant is not present in population databases (gnomAD no frequency). This sequence change replaces threonine, which is neutral and polar, with alanine, which is neutral and non-polar, at codon 695 of the DYNC1H1 protein (p.Thr695Ala).

NM_001376.5(DYNC1H1):c.2083A>G (p.Thr695Ala)

Gene: DYNC1H1 (dynein cytoplasmic 1 heavy chain 1; plus strand). Cytogenetic location: 14q32.31.
Variant type: single nucleotide variant.
Coding change: c.2083A>G on transcript NM_001376.5 (MANE Select); coding-DNA position 2083, A replaced by G.
Protein change: p.Thr695Ala; replaces threonine 695 with alanine.
Molecular consequence: missense variant.
Genome position (GRCh38, 1-based): chr14:101,986,308, A>G. VCF-style: chr14-101986308-A-G. GRCh37 (hg19) VCF-style: chr14-102452645-A-G.
Other names: short protein forms T695A.
Identifiers: ClinVar variation 1357931 (VCV001357931.8), dbSNP rs2141274888, ClinGen allele CA391020721.
Genomic context (GRCh38, chr14:101,986,308, plus strand): 5'-AATCACGTGGAGGGGCAGAAGCTGAAGCAGGATGGAGACAGCTTCCGCATGAAGCTCAAC[A>G]CGCAGGAGATCTTTGATGACTGGGCAAGGAAGGTGCAGCAGCGCAACCTCGGTGTCTCGG-3'
Protein context (NP_001367.2, residues 685-705): DGDSFRMKLN[Thr695Ala]QEIFDDWARK